The following is an entry in ClinVar:

NM_024589.3(ROGDI):c.811C>T (p.Leu271Phe)

Gene: ROGDI (rogdi atypical leucine zipper; minus strand). Cytogenetic location: 16p13.3.
Variant type: single nucleotide variant.
Coding change: c.811C>T on transcript NM_024589.3 (MANE Select); coding-DNA position 811, C replaced by T.
Protein change: p.Leu271Phe; replaces leucine 271 with phenylalanine.
Molecular consequence: missense variant. On other transcripts: non-coding transcript variant (1).
Genome position (GRCh38, 1-based): chr16:4,797,725, G>A on the plus strand (C>T on the coding strand, the complement: ROGDI is on the minus strand). VCF-style: chr16-4797725-G-A. GRCh37 (hg19) VCF-style: chr16-4847726-G-A.
Other names: short protein forms L271F.
Identifiers: ClinVar variation 641988 (VCV000641988.4), dbSNP rs766106593, ClinGen allele CA7882471.

ClinVar aggregate classification (germline): Uncertain significance (1 of 4 stars; one submission).

Conditions:
Amelocerebrohypohidrotic syndrome (KTZS). Also called: EPILEPSY AND YELLOW TEETH; EPILEPSY, DEMENTIA, AND AMELOGENESIS IMPERFECTA; Kohlschutter's syndrome; KOHLSCHUTTER SYNDROME. Identifiers: Orphanet 1946, MedGen C0406740, MONDO:0009185, OMIM 226750.

Allele frequency attached by ClinVar (database versions not stated): TOPMed 0.00001; gnomAD exomes 0.00002; ExAC 0.00003; gnomAD 0.00003 and 0.00004.
gnomAD v4.1: 7 of 1,316,126 alleles (0.00053%); highest among the groups gnomAD compares: Non-Finnish European, 0.00059%; no homozygotes.

Submission:

Labcorp Genetics (formerly Invitae), Labcorp
Classification: Uncertain significance for Amelocerebrohypohidrotic syndrome. Last evaluated: 2021-10-10. Review status: criteria provided, single submitter. Criteria: Invitae Variant Classification Sherloc (09022015). Collection method: clinical testing. Allele origin: germline.
Comment: In summary, the available evidence is currently insufficient to determine the role of this variant in disease. Therefore, it has been classified as a Variant of Uncertain Significance. Algorithms developed to predict the effect of missense changes on protein structure and function are either unavailable or do not agree on the potential impact of this missense change (SIFT: "Deleterious"; PolyPhen-2: "Probably Damaging"; Align-GVGD: "Class C15"). This variant has not been reported in the literature in individuals affected with ROGDI-related conditions. This variant is present in population databases (rs766106593, ExAC 0.006%). This sequence change replaces leucine with phenylalanine at codon 271 of the ROGDI protein (p.Leu271Phe). The leucine residue is highly conserved and there is a small physicochemical difference between leucine and phenylalanine.